The following is an entry in ClinVar:

ClinVar aggregate classification (germline): Uncertain significance (1 of 4 stars; one submission).

Conditions:
PHGDH deficiency. Identifiers: Orphanet 79351, MedGen C1866174, MONDO:0011152, OMIM 601815.

Allele frequency attached by ClinVar (database versions not stated): TOPMed below 0.00001.

Submission:

Labcorp Genetics (formerly Invitae), Labcorp
Classification: Uncertain significance for PHGDH deficiency. Last evaluated: 2021-10-24. Review status: criteria provided, single submitter. Criteria: Invitae Variant Classification Sherloc (09022015). Collection method: clinical testing. Allele origin: germline.
Comment: Algorithms developed to predict the effect of missense changes on protein structure and function are either unavailable or do not agree on the potential impact of this missense change (SIFT: "Deleterious"; PolyPhen-2: "Probably Damaging"; Align-GVGD: "Class C0"). In summary, the available evidence is currently insufficient to determine the role of this variant in disease. Therefore, it has been classified as a Variant of Uncertain Significance. This variant has not been reported in the literature in individuals affected with PHGDH-related conditions. This variant is not present in population databases (ExAC no frequency). This sequence change replaces threonine with lysine at codon 89 of the PHGDH protein (p.Thr89Lys). The threonine residue is moderately conserved and there is a moderate physicochemical difference between threonine and lysine.

NM_006623.4(PHGDH):c.266C>A (p.Thr89Lys)

Gene: PHGDH (phosphoglycerate dehydrogenase; plus strand). Cytogenetic location: 1p12.
Variant type: single nucleotide variant.
Coding change: c.266C>A on transcript NM_006623.4 (MANE Select); coding-DNA position 266, C replaced by A.
Protein change: p.Thr89Lys; replaces threonine 89 with lysine.
Molecular consequence: missense variant.
Genome position (GRCh38, 1-based): chr1:119,721,297, C>A. VCF-style: chr1-119721297-C-A. GRCh37 (hg19) VCF-style: chr1-120263920-C-A.
Other names: short protein forms T89K.
Identifiers: ClinVar variation 1498540 (VCV001498540.6), dbSNP rs1651150753, ClinGen allele CA341847305.